The following is an entry in ClinVar:

ClinVar aggregate classification (germline): Uncertain significance (0 of 4 stars; one submission).

Conditions:
VWF-related disorder. Also called: VWF-related condition; VWF-related disorders.

Allele frequency attached by ClinVar (database versions not stated): gnomAD 0.00002; TOPMed 0.00002.
gnomAD v4.1: 20 of 1,614,090 alleles (0.0012%); highest among the groups gnomAD compares: Admixed American, 0.0017%; no homozygotes.

Submission:

PreventionGenetics, part of Exact Sciences
Classification: Uncertain significance for VWF-related condition. Last evaluated: 2024-02-27. Review status: no assertion criteria provided. Collection method: clinical testing. Allele origin: germline.
Comment: The VWF c.491A>G variant is predicted to result in the amino acid substitution p.Asn164Ser. To our knowledge, this variant has not been reported in the literature. This variant is reported in 0.0065% of alleles in individuals of European (Non-Finnish) descent in gnomAD. At this time, the clinical significance of this variant is uncertain due to the absence of conclusive functional and genetic evidence.

NM_000552.5(VWF):c.491A>G (p.Asn164Ser)

Gene: VWF (von Willebrand factor; minus strand). Cytogenetic location: 12p13.31.
Variant type: single nucleotide variant.
Coding change: c.491A>G on transcript NM_000552.5 (MANE Select); coding-DNA position 491, A replaced by G.
Protein change: p.Asn164Ser; replaces asparagine 164 with serine.
Molecular consequence: missense variant.
Genome position (GRCh38, 1-based): chr12:6,110,415, T>C on the plus strand (A>G on the coding strand, the complement: VWF is on the minus strand). VCF-style: chr12-6110415-T-C. GRCh37 (hg19) VCF-style: chr12-6219581-T-C.
Other names: short protein forms N164S.
Identifiers: ClinVar variation 3061511 (VCV003061511.2), dbSNP rs747744741, ClinGen allele CA232363137.